The following is an entry in ClinVar:

NM_033305.3(VPS13A):c.8036-2A>G

Gene: VPS13A (vacuolar protein sorting 13 homolog A; plus strand). Cytogenetic location: 9q21.2.
Variant type: single nucleotide variant.
Coding change: c.8036-2A>G on transcript NM_033305.3 (MANE Select); the canonical splice acceptor site of the intron before coding-DNA position 8036, A replaced by G.
Molecular consequence: splice acceptor variant.
Genome position (GRCh38, 1-based): chr9:77,359,331, A>G. VCF-style: chr9-77359331-A-G. GRCh37 (hg19) VCF-style: chr9-79974247-A-G.
Other names: c.7919-2A>G (NM_001018037.2); c.8036-2A>G (NM_015186.4, NM_001018038.3).
Identifiers: ClinVar variation 5003902 (VCV005003902.1).

ClinVar aggregate classification (germline): Likely pathogenic (1 of 4 stars; one submission).

Conditions:
VPS13A-related neurodegenerative disease. Also called: VPS13A Disease; Choreaacanthocytosis; Choreoacanthocytosis; Chorea-acanthocytosis; ACANTHOCYTOSIS WITH NEUROLOGIC DISORDER; LEVINE-CRITCHLEY SYNDROME. Identifiers: Orphanet 2388, MedGen C0393576, MONDO:0008695, OMIM 200150.

gnomAD v4.1: 2 of 1,613,274 alleles (0.00012%); highest among the groups gnomAD compares: Non-Finnish European, 0.00017%; no homozygotes.

Submission:

Myriad Genetics, Inc.
Classification: Likely pathogenic for VPS13A-related neurodegenerative disease. Last evaluated: 2025-10-28. Review status: criteria provided, single submitter. Criteria: Myriad Autosomal Dominant, Autosomal Recessive and X-Linked Classification Criteria (2023). Collection method: clinical testing. Allele origin: unknown.
Comment: NM_033305.2(VPS13A):c.8036-2A>G is a variant in a canonical splice site classified as likely pathogenic in the context of VPS13A disease. c.8036-2A>G has not been observed in cases with relevant disease. Relevant functional assessments of this variant are not available in the literature. c.8036-2A>G has not been observed in referenced population frequency databases. In summary, NM_033305.2(VPS13A):c.8036-2A>G is a variant in a canonical splice site in a gene where loss of function is a known mechanism of disease and is predicted to disrupt protein function. Please note: this variant was assessed in the context of healthy population screening.